The following is an entry in ClinVar:

ClinVar aggregate classification (germline): Uncertain significance (1 of 4 stars; one submission).

Conditions:
Emery-Dreifuss muscular dystrophy (EDMD). Also called: Scapuloperoneal syndrome, X-linked (formerly); Humeroperoneal neuromuscular disease, (formerly). Identifiers: Orphanet 261, MedGen C0410189, MONDO:0016830.

Allele frequency attached by ClinVar (database versions not stated): TOPMed below 0.00001; gnomAD 0.00001.
gnomAD v4.1: 2 of 1,613,804 alleles (0.00012%); highest among the groups gnomAD compares: African/African-American, 0.0027%; no homozygotes.

Submission:

Labcorp Genetics (formerly Invitae), Labcorp
Classification: Uncertain significance for Emery-Dreifuss muscular dystrophy. Last evaluated: 2020-09-19. Review status: criteria provided, single submitter. Criteria: Invitae Variant Classification Sherloc (09022015). Collection method: clinical testing. Allele origin: germline.
Comment: In summary, the available evidence is currently insufficient to determine the role of this variant in disease. Therefore, it has been classified as a Variant of Uncertain Significance. Algorithms developed to predict the effect of missense changes on protein structure and function (SIFT, PolyPhen-2, Align-GVGD) all suggest that this variant is likely to be tolerated, but these predictions have not been confirmed by published functional studies and their clinical significance is uncertain. This variant has not been reported in the literature in individuals with SUN1-related conditions. This variant is not present in population databases (ExAC no frequency). This sequence change replaces tryptophan with glycine at codon 359 of the SUN1 protein (p.Trp359Gly). The tryptophan residue is moderately conserved and there is a large physicochemical difference between tryptophan and glycine.

NM_001130965.3(SUN1):c.1075T>G (p.Trp359Gly)

Gene: SUN1 (Sad1 and UNC84 domain containing 1; plus strand). Cytogenetic location: 7p22.3.
Variant type: single nucleotide variant.
Coding change: c.1075T>G on transcript NM_001130965.3 (MANE Select); coding-DNA position 1075, T replaced by G.
Protein change: p.Trp359Gly; replaces tryptophan 359 with glycine.
Molecular consequence: missense variant. On other transcripts: non-coding transcript variant (3).
Genome position (GRCh38, 1-based): chr7:853,430, T>G. VCF-style: chr7-853430-T-G. GRCh37 (hg19) VCF-style: chr7-893067-T-G.
Other names: c.1159T>G, p.Trp387Gly (NM_001367683.1); c.1234T>G, p.Trp412Gly (NM_001367684.1); c.1186T>G, p.Trp396Gly (NM_001367685.1, NM_001367664.1, NM_001367696.1); c.907T>G, p.Trp303Gly (NM_001367686.1); c.1465T>G, p.Trp489Gly (NM_001367687.1, NM_001367678.1, NM_001367699.1); c.1156T>G, p.Trp386Gly (NM_001367688.1); c.1036T>G, p.Trp346Gly (NM_001367689.1, NM_001367645.1, NM_001367667.1); c.1366T>G, p.Trp456Gly (NM_001367690.1); and 38 more; short protein forms W121G, W170G, W206G, W242G, W256G, W276G, W303G, W308G.
Identifiers: ClinVar variation 1061957 (VCV001061957.9), dbSNP rs1824104633, ClinGen allele CA366531013.